The following is an entry in ClinVar:

ClinVar aggregate classification (germline): Uncertain significance (1 of 4 stars; one submission).

Conditions:
Hereditary cancer-predisposing syndrome. Also called: Neoplastic Syndromes, Hereditary; Hereditary Cancer Syndrome; Hereditary neoplastic syndrome; Tumor predisposition. Identifiers: Orphanet 140162, MedGen C0027672, MeSH D009386, MONDO:0015356.

gnomAD v4.1: 1 of 1,613,858 alleles (0.000062%); highest among the groups gnomAD compares: South Asian, 0.0011%; no homozygotes.

Submission:

Ambry Genetics
Classification: Uncertain significance for Hereditary cancer-predisposing syndrome. Last evaluated: 2023-04-18. Review status: criteria provided, single submitter. Criteria: Ambry Variant Classification Scheme 2023. Collection method: clinical testing. Allele origin: germline.
Comment: The p.S922C variant (also known as c.2765C>G), located in coding exon 16 of the RET gene, results from a C to G substitution at nucleotide position 2765. The serine at codon 922 is replaced by cysteine, an amino acid with dissimilar properties. This amino acid position is conserved. In addition, this alteration is predicted to be deleterious by in silico analysis. Since supporting evidence is limited at this time, the clinical significance of this alteration remains unclear.

NM_020975.6(RET):c.2765C>G (p.Ser922Cys)

Gene: RET (ret proto-oncogene; plus strand). Cytogenetic location: 10q11.21.
Variant type: single nucleotide variant.
Coding change: c.2765C>G on transcript NM_020975.6 (MANE Select); coding-DNA position 2765, C replaced by G.
Protein change: p.Ser922Cys; replaces serine 922 with cysteine.
Molecular consequence: missense variant.
Genome position (GRCh38, 1-based): chr10:43,121,980, C>G. VCF-style: chr10-43121980-C-G. GRCh37 (hg19) VCF-style: chr10-43617428-C-G.
Other names: c.1868C>G, p.Ser623Cys (NM_001406779.1, NM_001406780.1, NM_001406782.1 and 1 more transcripts); c.1775C>G, p.Ser592Cys (NM_001406784.1); c.1748C>G, p.Ser583Cys (NM_001406785.1); c.1739C>G, p.Ser580Cys (NM_001406783.1, NM_001406786.1); c.2765C>G, p.Ser922Cys (NM_000323.2, NM_001406743.1, NM_001406744.1 and 4 more transcripts); c.2003C>G, p.Ser668Cys (NM_001355216.2); c.2636C>G, p.Ser879Cys (NM_001406761.1, NM_001406762.1, NM_001406764.1); c.2630C>G, p.Ser877Cys (NM_001406763.1, NM_001406765.1); and 10 more; short protein forms S580C, S623C, S578C, S879C, S439C, S487C, S592C, S747C.
Identifiers: ClinVar variation 2561478 (VCV002561478.2), dbSNP rs377767432, ClinGen allele CA376557533.
Genomic context (GRCh38, chr10:43,121,980, plus strand): 5'-ATGTCTTTATTCCATCTTCTCTTTAGGGTCGGATTCCAGTTAAATGGATGGCAATTGAAT[C>G]CCTTTTTGATCATATCTACACCACGCAAAGTGATGTGTAAGTGTGGGTGTTGCTCTCTTG-3'
Protein context (NP_066124.1, residues 912-932): RIPVKWMAIE[Ser922Cys]LFDHIYTTQS